The following is an entry in ClinVar:

NM_005502.4(ABCA1):c.5089A>G (p.Ile1697Val)

Gene: ABCA1 (ATP binding cassette subfamily A member 1; minus strand). Cytogenetic location: 9q31.1.
Variant type: single nucleotide variant.
Coding change: c.5089A>G on transcript NM_005502.4 (MANE Select); coding-DNA position 5089, A replaced by G.
Protein change: p.Ile1697Val; replaces isoleucine 1697 with valine.
Molecular consequence: missense variant.
Genome position (GRCh38, 1-based): chr9:104,798,453, T>C on the plus strand (A>G on the coding strand, the complement: ABCA1 is on the minus strand). VCF-style: chr9-104798453-T-C. GRCh37 (hg19) VCF-style: chr9-107560734-T-C.
Other names: p.Ile1697Val; short protein forms I1697V.
Identifiers: ClinVar variation 3379886 (VCV003379886.1).

ClinVar aggregate classification (germline): Uncertain significance (1 of 4 stars; one submission).

gnomAD v4.1: 22 of 1,614,226 alleles (0.0014%); highest among the groups gnomAD compares: Non-Finnish European, 0.0019%; no homozygotes.

Submission:

Mayo Clinic Laboratories, Mayo Clinic
Classification: Uncertain significance. Last evaluated: 2023-10-31. Review status: criteria provided, single submitter. Criteria: ACMG Guidelines, 2015. Collection method: clinical testing. Allele origin: germline. Observed: 1 variant allele.
Comment: BP4